The following is an entry in ClinVar:

ClinVar aggregate classification (germline): Benign/Likely benign. Review status: criteria provided, multiple submitters, no conflicts (2 of 4 stars). 2 submissions from 2 submitters: Benign (1); Likely benign (1). Last evaluated 2026-01-22.

Conditions:
Xeroderma pigmentosum, group E (XPE). Also called: Xeroderma pigmentosum, complementation group E; Xeroderma pigmentosum, group E, DDB-negative subtype; XERODERMA PIGMENTOSUM V; XP, GROUP E; DDB2-Related Xeroderma Pigmentosum; Xeroderma pigmentosum, complementation group E, DDB-negative form. Identifiers: Orphanet 910, MedGen C1848411, MONDO:0010213, OMIM 278740.

Allele frequency attached by ClinVar (database versions not stated): gnomAD below 0.00001 and 0.00004; TOPMed 0.00001; 1000 Genomes Project 0.00020; gnomAD exomes 0.00025 and 0.00046; 1000 Genomes Project 30x 0.00031; ExAC 0.00058.
gnomAD v4.1: 382 of 1,614,194 alleles (0.024%); highest among the groups gnomAD compares: South Asian, 0.39%; 4 homozygotes.

Submissions (2):

Labcorp Genetics (formerly Invitae), Labcorp
Classification: Benign. Last evaluated: 2026-01-22. Review status: criteria provided, single submitter. Criteria: Invitae Variant Classification Sherloc (09022015). Collection method: clinical testing. Allele origin: germline.

Illumina Laboratory Services, Illumina
Classification: Likely benign for Xeroderma pigmentosum, group E. Last evaluated: 2018-01-13. Review status: criteria provided, single submitter. Criteria: ICSL Variant Classification Criteria 13 December 2019. Collection method: clinical testing. Allele origin: germline.
Comment: This variant was observed in the ICSL laboratory as part of a predisposition screen in an ostensibly healthy population. It had not been previously curated by ICSL or reported in the Human Gene Mutation Database (HGMD: prior to June 1st, 2018), and was therefore a candidate for classification through an automated scoring system. Utilizing variant allele frequency, disease prevalence and penetrance estimates, and inheritance mode, an automated score was calculated to assess if this variant is too frequent to cause the disease. Based on the score and internal cut-off values, a variant classified as likely benign is not then subjected to further curation. The score for this variant resulted in a classification of likely benign for this disease.

NM_000107.3(DDB2):c.577G>A (p.Val193Ile)

Gene: DDB2 (damage specific DNA binding protein 2; plus strand). Cytogenetic location: 11p11.2.
Variant type: single nucleotide variant.
Coding change: c.577G>A on transcript NM_000107.3 (MANE Select); coding-DNA position 577, G replaced by A.
Protein change: p.Val193Ile; replaces valine 193 with isoleucine.
Molecular consequence: missense variant. On other transcripts: intron variant (1).
Genome position (GRCh38, 1-based): chr11:47,232,934, G>A. VCF-style: chr11-47232934-G-A. GRCh37 (hg19) VCF-style: chr11-47254485-G-A.
Other names: c.457-4903G>A (NM_001300734.2); short protein forms V193I.
Identifiers: ClinVar variation 304917 (VCV000304917.6), dbSNP rs200406558, ClinGen allele CA5972549.